The following is an entry in ClinVar:

ClinVar aggregate classification (germline): Pathogenic. Review status: criteria provided, multiple submitters, no conflicts (2 of 4 stars). 6 submissions from 6 submitters: Pathogenic (5). 1 of the submissions does not count toward it. Last evaluated 2026-03-06.

Conditions:
Anophthalmia-microphthalmia syndrome. Also called: Anophthalmia - microphthalmia; Anophthalmia/Microphthalmia. Identifiers: Orphanet 98555, MedGen C5680330, MONDO:0020147.
Syndromic microphthalmia type 5 (MCOPS5). Also called: RETINAL DYSTROPHY, EARLY-ONSET, WITH PITUITARY DYSFUNCTION; RETINAL DYSTROPHY, EARLY-ONSET, WITHOUT PITUITARY DYSFUNCTION. Identifiers: Orphanet 178364, MedGen C1864690, MONDO:0012413, OMIM 610125.

Submissions (6):

GeneDx
Classification: Pathogenic. Last evaluated: 2026-03-06. Review status: criteria provided, single submitter. Criteria: GeneDx Variant Classification Process June 2021. Collection method: clinical testing. Allele origin: germline.
Comment: Published functional studies demonstrate a damaging effect (results in an altered protein product with reduced transactivation activity) (PMID: 18628516); Frameshift variant predicted to result in abnormal protein length as the last 155 amino acid(s) are replaced with 1 different amino acid(s), and other similar variants have been reported in HGMD; Not observed at significant frequency in large population cohorts (gnomAD); Also known as c.402insC; This variant is associated with the following publications: (PMID: 35320640, 18628516)

CeGaT Center for Human Genetics Tuebingen
Classification: Pathogenic. Last evaluated: 2023-09-01. Review status: criteria provided, single submitter. Criteria: CeGaT Center For Human Genetics Tuebingen Variant Classification Criteria Version 2. Collection method: clinical testing. Allele origin: germline. Affected: yes. Observed: 2 variant alleles.
Comment: OTX2: PVS1:Strong, PM2, PS4:Moderate, PM6:Supporting, PS3:Supporting

Labcorp Genetics (formerly Invitae), Labcorp
Classification: Pathogenic for Anophthalmia-microphthalmia syndrome. Last evaluated: 2023-08-02. Review status: criteria provided, single submitter. Criteria: Invitae Variant Classification Sherloc (09022015). Collection method: clinical testing. Allele origin: germline.
Comment: Algorithms developed to predict the effect of variants on protein structure and function are not available or were not evaluated for this variant. Experimental studies have shown that this premature translational stop signal affects OTX2 function (PMID: 18628516). For these reasons, this variant has been classified as Pathogenic. ClinVar contains an entry for this variant (Variation ID: 500507). This sequence change creates a premature translational stop signal (p.Ser135Leufs*2) in the OTX2 gene. While this is not anticipated to result in nonsense mediated decay, it is expected to disrupt the last 155 amino acid(s) of the OTX2 protein. This variant is not present in population databases (gnomAD no frequency). This premature translational stop signal has been observed in individual(s) with OTX2-related conditions (PMID: 18628516). In at least one individual the variant was observed to be de novo. This variant is also known as p.L135fsX136.

Victorian Clinical Genetics Services, Murdoch Childrens Research Institute
Classification: Pathogenic for Syndromic microphthalmia type 5. Last evaluated: 2022-03-31. Review status: criteria provided, single submitter. Criteria: ACMG Guidelines, 2015. Collection method: clinical testing. Allele origin: germline. Inheritance: Autosomal dominant inheritance.
Comment: Based on the classification scheme VCGS_Germline_v1.3.4, this variant is classified as Pathogenic. Following criteria are met: 0103 - Dominant negative and loss of function are known mechanisms of disease in this gene and are associated with syndromic microphthalmia 5 (MIM#610125). (I) 0107 - This gene is associated with autosomal dominant disease. (I) 0112 - The condition associated with this gene has incomplete penetrance (PMID: 30268123). (I) 0115 - Variants in this gene are known to have variable expressivity. A wide range of inter- and intrafamilial phenotypic variability has been reported (PMID: 30268123). (I) 0204 - Variant is predicted to result in a truncated protein (premature termination codon is NOT located at least 54 nucleotides upstream of the final exon-exon junction) with at least 1/3 of the protein sequence affected. (SP) 0251 - This variant is heterozygous. (I) 0301 - Variant is absent from gnomAD (both v2 and v3). (SP) 0600 - Variant is predicted to lose the transactivation domain (PMID: 18628516). (I) 0701 - Other variants predicted to result in a truncated protein comparable to the one identified in this case have very strong previous evidence for pathogenicity (ClinVar, DECIPHER). (SP) 0802 - This variant has moderate previous evidence of pathogenicity in unrelated individuals. The variant has been previously reported as de novo in a patient with anophthalmia, short stature, and partial growth hormone deficiency (PMID: 18628516) and has also been reported as pathogenic in ClinVar. (SP) 0905 - No published segregation evidence has been identified for this variant. (I) 1002 - This variant has moderate functional evidence supporting abnormal protein function. Functional studies show that the mutant protein barely retained transactivation activities (PMID: 18628516). (I) Legend: (SP) - Supporting pathogenic, (I) - Information, (SB) - Supporting benign

Eurofins Ntd Llc (ga)
Classification: Pathogenic. Last evaluated: 2017-03-28. Review status: criteria provided, single submitter. Criteria: EGL Classification Definitions 2015. Collection method: clinical testing. Allele origin: germline. Observed: 1 variant allele, 1 heterozygote.

OMIM
Classification: Pathogenic for MICROPHTHALMIA, SYNDROMIC 5. Last evaluated: 2008-10-01. Review status: no assertion criteria provided. Collection method: literature only. Allele origin: germline. Not counted in ClinVar's aggregate classification.

Literature cited by the submitters: PubMed 18628516 (cited by 3 submitters); PubMed 30268123 (cited by Victorian Clinical Genetics Services, Murdoch Childrens Research Institute).

NM_172337.2(OTX2):c.402dup (p.Ser135Leufs)

Gene: OTX2 (orthodenticle homeobox 2; minus strand). Cytogenetic location: 14q22.3.
Variant type: Duplication.
Coding change: c.402dup on transcript NM_172337.2; coding-DNA position 402, one base duplicated (C; older notation c.402dupC).
Protein change: p.Ser135Leufs; shifts the reading frame from serine 135.
Molecular consequence: frameshift variant (on NM_021728.4). On other transcripts: non-coding transcript variant (2).
Genome position (GRCh38, 1-based): chr14:56,802,203, G duplicated on the plus strand (C on the coding strand, the reverse complement: OTX2 is on the minus strand); the first of 6 consecutive G bases (chr14:56,802,203-56,802,208); duplicating any one gives the same sequence. VCF-style (leftmost placement, unchanged base first): chr14-56802202-A-AG. GRCh37 (hg19) VCF-style: chr14-57268920-A-AG.
Other names: c.402dup, p.Ser135fs (NM_001270523.2, NM_001270524.2, NM_172337.3); c.426dup, p.Ser143fs (NM_001270525.2, NM_021728.4); c.426dup (NM_021728.2); short protein forms S135fs, S143fs.
Identifiers: ClinVar variation 500507 (VCV000500507.46), dbSNP rs1555350223, ClinGen allele CA658798215.